The following is an entry in ClinVar:

ClinVar aggregate classification (germline): Pathogenic (1 of 4 stars; one submission).

Submission:

ISCA Site 6
Classification: Pathogenic. Last evaluated: 2011-08-12. Review status: criteria provided, single submitter. Criteria: Kaminsky et al. (Genet Med. 2011). Collection method: clinical testing. Allele origin: unknown. Affected: yes. Observed: 1 variant allele.
Comment: Copy number variation identified through the course of routine clinical cytogenomic testing in postnatal populations. Clinical assertions have been curated as described in Kaminsky et al. 2011.

GRCh38/hg38 1q21.1-21.2(chr1:147099720-148273480)x3

Genes: ACP6 (acid phosphatase 6, lysophosphatidic; minus strand), BCL9 (BCL9 transcription coactivator; plus strand), CHD1L (chromodomain helicase DNA binding protein 1 like; plus strand), FMO5 (flavin containing dimethylaniline monoxygenase 5; minus strand), GJA5 (gap junction protein alpha 5; minus strand) and 34 more. Cytogenetic location: 1q21.1-21.2.
Variant type: copy number gain.
Change: copy number 3 (three copies instead of two) of chr1:147,099,720-148,273,480 (1.17 Mb, GRCh38 coordinates, 1-based), cytogenetic band 1q21.1-21.2.
Identifiers: ClinVar variation 59368 (VCV000059368.2).